The following is an entry in ClinVar:

ClinVar aggregate classification (germline): Uncertain significance (1 of 4 stars; one submission).

Submission:

GeneDx
Classification: Uncertain significance. Last evaluated: 2017-09-26. Review status: criteria provided, single submitter. Criteria: GeneDx Variant Classification (06012015). Collection method: clinical testing. Allele origin: germline. Affected: yes.
Comment: The R363G variant in the WNT10B gene has not been reported previously as a pathogenic variant, nor as a benign variant, to our knowledge. The R363G variant is not observed in large population cohorts (Lek et al., 2016). The R363G variant is a non-conservative amino acid substitution, which is likely to impact secondary protein structure as these residues differ in polarity, charge, size and/or other properties. This substitution occurs at a position that is conserved across species, and in silico analysis predicts this variant is probably damaging to the protein structure/function. We interpret R363G as a variant of uncertain significance.

NM_003394.4(WNT10B):c.1087C>G (p.Arg363Gly)

Gene: WNT10B (Wnt family member 10B; minus strand). Cytogenetic location: 12q13.12.
Variant type: single nucleotide variant.
Coding change: c.1087C>G on transcript NM_003394.4 (MANE Select); coding-DNA position 1087, C replaced by G.
Protein change: p.Arg363Gly; replaces arginine 363 with glycine.
Molecular consequence: missense variant.
Genome position (GRCh38, 1-based): chr12:48,966,178, G>C on the plus strand (C>G on the coding strand, the complement: WNT10B is on the minus strand). VCF-style: chr12-48966178-G-C. GRCh37 (hg19) VCF-style: chr12-49359961-G-C.
Other names: short protein forms R363G.
Identifiers: ClinVar variation 452097 (VCV000452097.2), dbSNP rs772141128, ClinGen allele CA384671277.